The following is an entry in ClinVar:

NM_001330360.2(POLA1):c.356G>T (p.Gly119Val)

Gene: POLA1 (DNA polymerase alpha 1, catalytic subunit; plus strand). Cytogenetic location: Xp22.11.
Variant type: single nucleotide variant.
Coding change: c.356G>T on transcript NM_001330360.2 (MANE Select); coding-DNA position 356, G replaced by T.
Protein change: p.Gly119Val; replaces glycine 119 with valine.
Molecular consequence: missense variant. On other transcripts: non-coding transcript variant (2).
Genome position (GRCh38, 1-based): chrX:24,714,563, G>T. VCF-style: chrX-24714563-G-T. GRCh37 (hg19) VCF-style: chrX-24732680-G-T.
Other names: c.356G>T, p.Gly119Val (NM_001378303.1); c.338G>T, p.Gly113Val (NM_016937.4); c.338G>T (NM_016937.3); short protein forms G113V, G119V.
Identifiers: ClinVar variation 2435142 (VCV002435142.7), dbSNP rs753240350, ClinGen allele CA10372765.

ClinVar aggregate classification (germline): Uncertain significance. Review status: criteria provided, multiple submitters, no conflicts (2 of 4 stars). 4 submissions from 4 submitters: Uncertain significance (4). Last evaluated 2025-12-30.

Conditions:
POLA1-related disorder. Also called: POLA1-related condition.
Inborn genetic diseases. Identifiers: MedGen C0950123, MeSH D030342.

Allele frequency attached by ClinVar (database versions not stated): gnomAD exomes below 0.00001; ExAC 0.00005; gnomAD 0.00007; TOPMed 0.00007.
gnomAD v4.1: 11 of 1,171,571 alleles (0.00094%); highest among the groups gnomAD compares: African/African-American, 0.018%; no homozygotes.

Submissions (4):

PreventionGenetics, part of Exact Sciences
Classification: Uncertain significance for POLA1-related condition. Last evaluated: 2025-12-30. Review status: criteria provided, single submitter. Criteria: ACMG Guidelines, 2015. Collection method: clinical testing. Allele origin: germline.
Comment: The POLA1 c.338G>T variant is predicted to result in the amino acid substitution p.Gly113Val. To our knowledge, this variant has not been reported in the literature. This variant is reported in 0.022% of alleles in individuals of African descent in gnomAD. Although we suspect that this variant may be benign, at this time, the clinical significance of this variant is uncertain due to the absence of conclusive functional and genetic evidence.

Labcorp Genetics (formerly Invitae), Labcorp
Classification: Uncertain significance. Last evaluated: 2024-08-28. Review status: criteria provided, single submitter. Criteria: Invitae Variant Classification Sherloc (09022015). Collection method: clinical testing. Allele origin: germline.
Comment: This sequence change replaces glycine, which is neutral and non-polar, with valine, which is neutral and non-polar, at codon 113 of the POLA1 protein (p.Gly113Val). The frequency data for this variant in the population databases is considered unreliable, as metrics indicate poor data quality at this position in the gnomAD database. This variant has not been reported in the literature in individuals affected with POLA1-related conditions. ClinVar contains an entry for this variant (Variation ID: 2435142). Invitae Evidence Modeling of protein sequence and biophysical properties (such as structural, functional, and spatial information, amino acid conservation, physicochemical variation, residue mobility, and thermodynamic stability) indicates that this missense variant is not expected to disrupt POLA1 protein function with a negative predictive value of 80%. In summary, the available evidence is currently insufficient to determine the role of this variant in disease. Therefore, it has been classified as a Variant of Uncertain Significance.

Revvity Omics, Revvity
Classification: Uncertain significance. Last evaluated: 2022-05-16. Review status: criteria provided, single submitter. Criteria: ACMG Guidelines, 2015. Collection method: clinical testing. Allele origin: germline.

Ambry Genetics
Classification: Uncertain significance for Inborn genetic diseases. Last evaluated: 2021-09-27. Review status: criteria provided, single submitter. Criteria: Ambry Variant Classification Scheme 2023. Collection method: clinical testing. Allele origin: germline.